The following is an entry in ClinVar:

ClinVar aggregate classification (germline): Uncertain significance (1 of 4 stars; one submission).

Conditions:
Hereditary cancer-predisposing syndrome. Also called: Neoplastic Syndromes, Hereditary; Tumor predisposition; Hereditary neoplastic syndrome; Hereditary Cancer Syndrome. Identifiers: Orphanet 140162, MedGen C0027672, MeSH D009386, MONDO:0015356.

gnomAD v4.1: 1 of 1,598,516 alleles (0.000063%); no homozygotes.

Submission:

Ambry Genetics
Classification: Uncertain significance for Hereditary cancer-predisposing syndrome. Last evaluated: 2018-11-30. Review status: criteria provided, single submitter. Criteria: Ambry Variant Classification Scheme 2023. Collection method: clinical testing. Allele origin: germline.
Comment: The p.A1489V variant (also known as c.4466C>T), located in coding exon 33 of the TSC2 gene, results from a C to T substitution at nucleotide position 4466. The alanine at codon 1489 is replaced by valine, an amino acid with similar properties. This amino acid position is poorly conserved in available vertebrate species. In addition, the in silico prediction for this alteration is inconclusive. Since supporting evidence is limited at this time, the clinical significance of this alteration remains unclear.

NM_000548.5(TSC2):c.4466C>T (p.Ala1489Val)

Gene: TSC2 (TSC complex subunit 2; plus strand). Cytogenetic location: 16p13.3.
Variant type: single nucleotide variant.
Coding change: c.4466C>T on transcript NM_000548.5 (MANE Select); coding-DNA position 4466, C replaced by T.
Protein change: p.Ala1489Val; replaces alanine 1489 with valine.
Molecular consequence: missense variant.
Genome position (GRCh38, 1-based): chr16:2,084,688, C>T. VCF-style: chr16-2084688-C-T. GRCh37 (hg19) VCF-style: chr16-2134689-C-T.
Other names: c.4265C>T, p.Ala1422Val (NM_001077183.3); c.4397C>T, p.Ala1466Val (NM_001114382.3); c.4157C>T, p.Ala1386Val (NM_001318827.2); c.4121C>T, p.Ala1374Val (NM_001318829.2); c.3734C>T, p.Ala1245Val (NM_001318831.2); c.4298C>T, p.Ala1433Val (NM_001318832.2); c.4268C>T, p.Ala1423Val (NM_001363528.2); c.4334C>T, p.Ala1445Val (NM_001370404.1); and 1 more; short protein forms A1245V, A1466V, A1374V, A1386V, A1423V, A1446V, A1489V, A1422V.
Identifiers: ClinVar variation 824909 (VCV000824909.4), dbSNP rs1596418744, ClinGen allele CA394302489.